The following is an entry in ClinVar:

NM_000360.4(TH):c.67G>A (p.Ala23Thr)

Gene: TH (tyrosine hydroxylase; minus strand). Cytogenetic location: 11p15.5.
Variant type: single nucleotide variant.
Coding change: c.67G>A on transcript NM_000360.4 (MANE Select); coding-DNA position 67, G replaced by A.
Protein change: p.Ala23Thr; replaces alanine 23 with threonine.
Molecular consequence: missense variant.
Genome position (GRCh38, 1-based): chr11:2,171,720, C>T on the plus strand (G>A on the coding strand, the complement: TH is on the minus strand). VCF-style: chr11-2171720-C-T. GRCh37 (hg19) VCF-style: chr11-2192950-C-T.
Other names: c.67G>A, p.Ala23Thr (NM_199292.3, NM_199293.3); short protein forms A23T.
Identifiers: ClinVar variation 444242 (VCV000444242.56), dbSNP rs201081519, ClinGen allele CA5818873.
Genomic context (GRCh38, chr11:2,171,720, plus strand): 5'-TCCACTGCGGCCGCCGGGCACCTACCTGCCCTCTTACCATGATGGCCTCTGCCTGCTTGG[C>T]GTCCAGCTCAGACACGGCCCTGCGGAAGCCCTTGGCCTGTGGCGTGGTGGCGTCGGGGGT-3'
Protein context (NP_000351.2, residues 13-33): GFRRAVSELD[Ala23Thr]KQAEAIMSPR

ClinVar aggregate classification (germline): Conflicting classifications of pathogenicity. Review status: criteria provided, conflicting classifications (1 of 4 stars). 9 submissions from 9 submitters: Uncertain significance (7); Likely benign (1). 1 of the submissions does not count toward it. Last evaluated 2026-01-21.

Conditions:
TH-related disorder. Also called: TH-related condition.
TH-deficient dopa-responsive dystonia. Also called: Segawa syndrome, autosomal recessive; DYT-TH; Tyrosine Hydroxylase-Deficient Dopa-Responsive Dystonia. Identifiers: Orphanet 101150, MedGen C2673535, MONDO:0011551, OMIM 605407.

Allele frequency attached by ClinVar (database versions not stated): ESP Exome Variant Server 0.00015; gnomAD exomes 0.00022 and 0.00028; ExAC 0.00023; gnomAD 0.00028 and 0.00029; TOPMed 0.00030.
gnomAD v4.1: 452 of 1,612,682 alleles (0.028%); highest among the groups gnomAD compares: South Asian, 0.053%; no homozygotes.

Submissions (9):

Labcorp Genetics (formerly Invitae), Labcorp
Classification: Likely benign for TH-deficient dopa-responsive dystonia. Last evaluated: 2026-01-21. Review status: criteria provided, single submitter. Criteria: Invitae Variant Classification Sherloc (09022015). Collection method: clinical testing. Allele origin: germline.

Women's Health and Genetics/Laboratory Corporation of America, LabCorp
Classification: Uncertain significance. Last evaluated: 2025-06-27. Review status: criteria provided, single submitter. Criteria: LabCorp Variant Classification Summary - May 2015. Collection method: clinical testing. Allele origin: germline.
Comment: Variant summary: TH c.67G>A (p.Ala23Thr) results in a non-conservative amino acid change in the encoded protein sequence. Algorithms developed to predict the effect of missense changes on protein structure and function are either unavailable or do not agree on the potential impact of this missense change. The variant allele was found at a frequency of 0.00022 in 249038 control chromosomes. This frequency is not significantly higher than estimated for a pathogenic variant in TH causing Segawa Syndrome, Autosomal Recessive (0.00022 vs 0.0011), allowing no conclusion about variant significance. c.67G>A has been observed in two individuals affected with tyrosine hydroxylase deficiency (Zhang_2023). These data indicate that the variant may be associated with disease. To our knowledge, no experimental evidence demonstrating an impact on protein function has been reported. The following publication has been ascertained in the context of this evaluation (PMID: 37840187). ClinVar contains an entry for this variant (Variation ID: 444242). Based on the evidence outlined above, the variant was classified as VUS-possibly pathogenic.

GeneDx
Classification: Uncertain significance. Last evaluated: 2025-02-15. Review status: criteria provided, single submitter. Criteria: GeneDx Variant Classification Process June 2021. Collection method: clinical testing. Allele origin: germline. Affected: yes.
Comment: In silico analysis indicates that this missense variant does not alter protein structure/function; This variant is associated with the following publications: (PMID: 19120120, 37840187)

PreventionGenetics, part of Exact Sciences
Classification: Uncertain significance for TH-related condition. Last evaluated: 2024-10-21. Review status: criteria provided, single submitter. Criteria: ACMG Guidelines, 2015. Collection method: clinical testing. Allele origin: germline.
Comment: The TH c.67G>A variant is predicted to result in the amino acid substitution p.Ala23Thr. This variant was reported in an individual with tyrosine hydroxylase deficiency (Zhang et al. 2023. PubMed ID: 37840187). This variant is reported in 0.044% of alleles in individuals of African descent in gnomAD. At this time, the clinical significance of this variant is uncertain due to the absence of conclusive functional and genetic evidence.

CeGaT Center for Human Genetics Tuebingen
Classification: Uncertain significance. Last evaluated: 2022-11-01. Review status: criteria provided, single submitter. Criteria: CeGaT Center For Human Genetics Tuebingen Variant Classification Criteria Version 2. Collection method: clinical testing. Allele origin: germline. Affected: yes. Observed: 3 variant alleles.
Comment: TH: PM2, PM3:Supporting

Fulgent Genetics
Classification: Uncertain significance for TH-deficient dopa-responsive dystonia. Last evaluated: 2021-07-06. Review status: criteria provided, single submitter. Criteria: ACMG Guidelines, 2015. Collection method: clinical testing. Allele origin: unknown.

Illumina Laboratory Services, Illumina
Classification: Uncertain significance for TH-deficient dopa-responsive dystonia. Last evaluated: 2018-01-12. Review status: criteria provided, single submitter. Criteria: ICSL Variant Classification Criteria 13 December 2019. Collection method: clinical testing. Allele origin: germline.

Breakthrough Genomics
Classification: Uncertain significance. Review status: criteria provided, single submitter. Criteria: ACMG Guidelines, 2015. Collection method: not provided. Allele origin: germline. Inheritance: Autosomal recessive inheritance. Affected: yes.

Department of Pathology and Laboratory Medicine, Sinai Health System
Classification: Uncertain significance. Review status: no assertion criteria provided. Collection method: clinical testing. Allele origin: unknown. Affected: yes. Study: The Canadian Open Genetics Repository (COGR). Not counted in ClinVar's aggregate classification.
Comment: The TH p.Ala23Thr variant was not identified in the literature but was identified in dbSNP (ID: rs201081519) and ClinVar (classified as uncertain significance by CeGaT Praxis fuer Humangenetik Tuebingen). The variant was identified in control databases in 66 of 280418 chromosomes at a frequency of 0.0002354 (Genome Aggregation Database March 6, 2019, v2.1.1). The variant was observed in the following populations: African in 11 of 24894 chromosomes (freq: 0.000442), South Asian in 11 of 30610 chromosomes (freq: 0.000359), Other in 2 of 7176 chromosomes (freq: 0.000279), European (non-Finnish) in 35 of 127596 chromosomes (freq: 0.000274), Latino in 5 of 35382 chromosomes (freq: 0.000141), Ashkenazi Jewish in 1 of 10312 chromosomes (freq: 0.000097) and East Asian in 1 of 19908 chromosomes (freq: 0.00005), but was not observed in the European (Finnish) population. The p.Ala23 residue is not conserved in mammals and computational analyses (PolyPhen-2, SIFT, AlignGVGD, BLOSUM, MutationTaster) do not suggest a high likelihood of impact to the protein; however, this information is not predictive enough to rule out pathogenicity. The variant occurs outside of the splicing consensus sequence and in silico or computational prediction software programs (SpliceSiteFinder, MaxEntScan, NNSPLICE, GeneSplicer) do not predict a difference in splicing. In summary, based on the above information the clinical significance of this variant cannot be determined with certainty at this time. This variant is classified as a variant of uncertain significance.

Literature cited by the submitters: PubMed 37840187 (cited by Women's Health and Genetics/Laboratory Corporation of America, LabCorp).